The following is an entry in ClinVar:

ClinVar aggregate classification (germline): Benign/Likely benign. Review status: criteria provided, multiple submitters, no conflicts (2 of 4 stars). 2 submissions from 2 submitters: Benign (1); Likely benign (1). Last evaluated 2026-07-01.

Allele frequency attached by ClinVar (database versions not stated): ExAC 0.00032; ESP Exome Variant Server 0.00092; 1000 Genomes Project 0.00120; 1000 Genomes Project 30x 0.00187.

Submissions (3):

CeGaT Center for Human Genetics Tuebingen
Classification: Likely benign. Last evaluated: 2026-07-01. Review status: criteria provided, single submitter. Criteria: CeGaT Center For Human Genetics Tuebingen Variant Classification Criteria Version 2. Collection method: clinical testing. Allele origin: germline. Affected: yes. Observed: 2 variant alleles.
Comment: F12: BP4, BP7

Labcorp Genetics (formerly Invitae), Labcorp
Classification: Benign. Last evaluated: 2025-10-06. Review status: criteria provided, single submitter. Criteria: Invitae Variant Classification Sherloc (09022015). Collection method: clinical testing. Allele origin: germline.

Dr. Peter K. Rogan Lab, Western University
No classification provided (evidence only). Condition: Gastric cancer. Review status: no classification provided. Collection method: in vitro. Allele origin: not applicable. Functional consequence: retained intron. Not counted in ClinVar's aggregate classification.

NM_000505.4(F12):c.1437G>T (p.Ser479=)

Gene: F12 (coagulation factor XII; minus strand). Cytogenetic location: 5q35.3.
Variant type: single nucleotide variant.
Coding change: c.1437G>T on transcript NM_000505.4 (MANE Select); coding-DNA position 1437, G replaced by T.
Protein change: p.Ser479=; no amino-acid change (serine 479 retained).
Molecular consequence: synonymous variant.
Genome position (GRCh38, 1-based): chr5:177,403,348, C>A on the plus strand (G>T on the coding strand, the complement: F12 is on the minus strand). VCF-style: chr5-177403348-C-A. GRCh37 (hg19) VCF-style: chr5-176830349-C-A.
Identifiers: ClinVar variation 2414519 (VCV002414519.21), dbSNP rs145585290, ClinGen allele CA3581167.